The following is an entry in ClinVar:

NM_181078.3(IL21R):c.1442C>T (p.Pro481Leu)

Genes: IL21R (interleukin 21 receptor; plus strand), IL21R-AS1 (IL21R antisense RNA 1; minus strand), LOC130058713 (ATAC-STARR-seq lymphoblastoid active region 10627; plus strand). Cytogenetic location: 16p12.1.
Variant type: single nucleotide variant.
Coding change: c.1442C>T on transcript NM_181078.3 (MANE Select); coding-DNA position 1442, C replaced by T.
Protein change: p.Pro481Leu; replaces proline 481 with leucine.
Molecular consequence: missense variant. On other transcripts: non-coding transcript variant (1).
Genome position (GRCh38, 1-based): chr16:27,449,108, C>T. VCF-style: chr16-27449108-C-T. GRCh37 (hg19) VCF-style: chr16-27460429-C-T.
Other names: c.1442C>T, p.Pro481Leu (NM_021798.4); c.1508C>T, p.Pro503Leu (NM_181079.5); short protein forms P503L, P481L.
Identifiers: ClinVar variation 473942 (VCV000473942.5), dbSNP rs141625630, ClinGen allele CA7975205.

ClinVar aggregate classification (germline): Uncertain significance (1 of 4 stars; one submission).

Conditions:
Cryptosporidiosis-chronic cholangitis-liver disease syndrome. Also called: IL21R immunodeficiency; Immunodeficiency type 56. Identifiers: Orphanet 357329, MedGen C3554687, MONDO:0014082, OMIM 615207.

Allele frequency attached by ClinVar (database versions not stated): gnomAD exomes 0.00002 and 0.00008; ExAC 0.00008; ESP Exome Variant Server 0.00023; TOPMed 0.00031.
gnomAD v4.1: 71 of 1,613,342 alleles (0.0044%); highest among the groups gnomAD compares: African/African-American, 0.089%; no homozygotes.

Submission:

Labcorp Genetics (formerly Invitae), Labcorp
Classification: Uncertain significance for Cryptosporidiosis-chronic cholangitis-liver disease syndrome. Last evaluated: 2022-06-14. Review status: criteria provided, single submitter. Criteria: Invitae Variant Classification Sherloc (09022015). Collection method: clinical testing. Allele origin: germline.
Comment: This sequence change replaces proline, which is neutral and non-polar, with leucine, which is neutral and non-polar, at codon 481 of the IL21R protein (p.Pro481Leu). This variant is present in population databases (rs141625630, gnomAD 0.1%). This variant has not been reported in the literature in individuals affected with IL21R-related conditions. ClinVar contains an entry for this variant (Variation ID: 473942). Algorithms developed to predict the effect of missense changes on protein structure and function are either unavailable or do not agree on the potential impact of this missense change (SIFT: "Deleterious"; PolyPhen-2: "Probably Damaging"; Align-GVGD: "Class C0"). In summary, the available evidence is currently insufficient to determine the role of this variant in disease. Therefore, it has been classified as a Variant of Uncertain Significance.